The following is an entry in ClinVar:

ClinVar aggregate classification (germline): Pathogenic (1 of 4 stars; one submission).

Conditions:
Hereditary nonpolyposis colorectal neoplasms. Identifiers: MedGen C0009405, MeSH D003123.

Submission:

Labcorp Genetics (formerly Invitae), Labcorp
Classification: Pathogenic for Hereditary nonpolyposis colorectal neoplasms. Last evaluated: 2021-08-02. Review status: criteria provided, single submitter. Criteria: Invitae Variant Classification Sherloc (09022015). Collection method: clinical testing. Allele origin: germline.
Comment: For these reasons, this variant has been classified as Pathogenic. This variant has not been reported in the literature in individuals affected with PMS2-related conditions. This variant is not present in population databases (ExAC no frequency). This sequence change creates a premature translational stop signal (p.Glu330Argfs*4) in the PMS2 gene. It is expected to result in an absent or disrupted protein product. Loss-of-function variants in PMS2 are known to be pathogenic (PMID: 21376568, 24362816).

Literature cited by the submitters: PubMed 21376568; PubMed 24362816.

NM_000535.7(PMS2):c.987dup (p.Glu330fs)

Gene: PMS2 (PMS1 homolog 2, mismatch repair system component; minus strand). Cytogenetic location: 7p22.1.
Variant type: Duplication.
Coding change: c.987dup on transcript NM_000535.7 (MANE Select); coding-DNA position 987, one base duplicated (A; older notation c.987dupA).
Protein change: p.Glu330fs; shifts the reading frame from glutamic acid 330.
Molecular consequence: frameshift variant. On other transcripts: non-coding transcript variant (1).
Genome position (GRCh38, 1-based): chr7:5,991,974, T duplicated on the plus strand (A on the coding strand, the reverse complement: PMS2 is on the minus strand). VCF-style (leftmost placement, unchanged base first): chr7-5991973-C-CT. GRCh37 (hg19) VCF-style: chr7-6031604-C-CT.
Other names: c.582dup, p.Glu195fs (NM_001322003.2, NM_001322004.2, NM_001322005.2 and 1 more transcripts); c.987dup, p.Gly330fs (NM_001322006.2); c.669dup, p.Glu224fs (NM_001322007.2, NM_001322008.2); c.582dup, p.Gly195fs (NM_001322010.2); c.54dup, p.Glu19fs (NM_001322011.2, NM_001322012.2); c.414dup, p.Glu139fs (NM_001322013.2); c.987dup, p.Glu330fs (NM_001322014.2); c.678dup, p.Glu227fs (NM_001322015.2); short protein forms E139fs, E19fs, E224fs, E195fs, G330fs, E227fs, E330fs, G195fs.
Identifiers: ClinVar variation 1459207 (VCV001459207.6), dbSNP rs2128754982, ClinGen allele CA2573141987.